The following is an entry in ClinVar:

NM_016373.4(WWOX):c.1043del (p.Phe348fs)

Gene: WWOX (WW domain containing oxidoreductase; plus strand). Cytogenetic location: 16q23.1.
Variant type: Deletion.
Coding change: c.1043del on transcript NM_016373.4 (MANE Select); coding-DNA position 1043, one base deleted (T; older notation c.1043delT).
Protein change: p.Phe348fs; shifts the reading frame from phenylalanine 348.
Molecular consequence: frameshift variant.
Genome position (GRCh38, 1-based): chr16:78,432,739, T deleted; the last of 3 consecutive T bases (chr16:78,432,737-78,432,739); deleting any one gives the same sequence. VCF-style (leftmost placement, unchanged base first): chr16-78432736-CT-C. GRCh37 (hg19) VCF-style: chr16-78466633-CT-C.
Other names: c.1043delT (NM_016373.2); c.704del, p.Phe235fs (NM_001291997.2); short protein forms F348fs, F235fs.
Identifiers: ClinVar variation 421407 (VCV000421407.15), dbSNP rs1064795117, ClinGen allele CA16620274.

ClinVar aggregate classification (germline): Pathogenic/Likely pathogenic. Review status: criteria provided, multiple submitters, no conflicts (2 of 4 stars). 4 submissions from 4 submitters: Pathogenic (3); Likely pathogenic (1). Last evaluated 2025-07-16.

Conditions:
Developmental and epileptic encephalopathy, 1 (DEE1). Also called: X-linked infantile spasms; West's syndrome; Tonic spasms with clustering, arrest of psychomotor development and hypsarrhythmia on EEG; X-Linked Infantile Spasm Syndrome; OHTAHARA SYNDROME, X-LINKED; INFANTILE SPASM SYNDROME, X-LINKED 1. Identifiers: MedGen C3463992, MONDO:0010632, OMIM 308350. Disease mechanism: loss of function.
Autosomal recessive spinocerebellar ataxia 12. Also called: SPINOCEREBELLAR ATAXIA WITH MENTAL RETARDATION AND EPILEPSY. Identifiers: Orphanet 284282, MedGen C3280452, MONDO:0013687, OMIM 614322.
WWOX-related disorder. Also called: WWOX-related condition.
Developmental and epileptic encephalopathy, 28 (DEE28). Also called: Epileptic encephalopathy, early infantile, 28. Identifiers: Orphanet 442835, MedGen C4015519, MONDO:0014533, OMIM 616211.

Submissions (4):

GeneDx
Classification: Pathogenic. Last evaluated: 2025-07-16. Review status: criteria provided, single submitter. Criteria: GeneDx Variant Classification Process June 2021. Collection method: clinical testing. Allele origin: germline. Affected: yes.
Comment: Frameshift variant predicted to result in abnormal protein length as the last 67 amino acid(s) are replaced with 56 different amino acid(s), and other similar variants have been reported in HGMD; Not observed at significant frequency in large population cohorts (gnomAD); This variant is associated with the following publications: (PMID: 38256219, 36779245)

Kids Research, The Children's Hospital at Westmead
Classification: Likely pathogenic for Developmental and epileptic encephalopathy, 28. Last evaluated: 2024-09-20. Review status: criteria provided, single submitter. Criteria: ACMG Guidelines, 2015. Collection method: research. Allele origin: germline. Affected: yes.
Comment: PVS1_Strong, PM2, PM3

Blueprint Genetics
Classification: Pathogenic for WWOX-related disorders. Last evaluated: 2024-03-18. Review status: criteria provided, single submitter. Criteria: ACMG Guidelines, 2015. Collection method: clinical testing. Allele origin: germline. Affected: yes. Observed: 2 variant alleles.

Labcorp Genetics (formerly Invitae), Labcorp
Classification: Pathogenic for Developmental and epileptic encephalopathy, 1; Autosomal recessive spinocerebellar ataxia 12. Last evaluated: 2023-08-24. Review status: criteria provided, single submitter. Criteria: Invitae Variant Classification Sherloc (09022015). Collection method: clinical testing. Allele origin: germline.
Comment: For these reasons, this variant has been classified as Pathogenic. This variant disrupts a region of the WWOX protein in which other variant(s) (p.Gly372*) have been determined to be pathogenic (PMID: 31780880; Invitae). This suggests that this is a clinically significant region of the protein, and that variants that disrupt it are likely to be disease-causing. This sequence change creates a premature translational stop signal (p.Phe348Serfs*57) in the WWOX gene. While this is not anticipated to result in nonsense mediated decay, it is expected to disrupt the last 67 amino acid(s) of the WWOX protein. This variant is present in population databases (no rsID available, gnomAD 0.002%). This premature translational stop signal has been observed in individual(s) with clinical features of epileptic encephalopathy (Invitae). ClinVar contains an entry for this variant (Variation ID: 421407).

Literature cited by the submitters: PubMed 31780880 (cited by Labcorp Genetics (formerly Invitae), Labcorp).